The following is an entry in ClinVar:

ClinVar aggregate classification (germline): Uncertain significance (1 of 4 stars; one submission).

Conditions:
Neurodevelopmental disorder with hypotonia and cerebellar atrophy, with or without seizures. Also called: GLYCOSYLPHOSPHATIDYLINOSITOL BIOSYNTHESIS DEFECT 22. Identifiers: MedGen C5394372, MONDO:0030037, OMIM 618879.

Submission:

3billion
Classification: Uncertain significance for Neurodevelopmental disorder with hypotonia and cerebellar atrophy, with or without seizures. Last evaluated: 2025-09-02. Review status: criteria provided, single submitter. Criteria: ACMG Guidelines, 2015. Collection method: clinical testing. Allele origin: germline. Affected: yes.
Comment: The variant is not observed in the gnomAD v4.1.0 dataset. Predicted Consequence/Location: Intron variant In silico tools predict the variant to alter splicing and produce an abnormal transcript [SpliceAI: 0.63 (>=0.2, moderate evidence for spliceogenicity)]. Therefore, this variant is classified as VUS according to the recommendation of ACMG/AMP guideline.

NM_005482.3(PIGK):c.702+3A>T

Gene: PIGK (phosphatidylinositol glycan anchor biosynthesis class K; minus strand). Cytogenetic location: 1p31.1.
Variant type: single nucleotide variant.
Coding change: c.702+3A>T on transcript NM_005482.3 (MANE Select); 3 bases into the intron after coding-DNA position 702, A replaced by T.
Molecular consequence: intron variant.
Genome position (GRCh38, 1-based): chr1:77,161,591, T>A on the plus strand (A>T on the coding strand, the complement: PIGK is on the minus strand). VCF-style: chr1-77161591-T-A. GRCh37 (hg19) VCF-style: chr1-77627276-T-A.
Identifiers: ClinVar variation 4854969 (VCV004854969.1).